The following is an entry in ClinVar:

ClinVar aggregate classification (germline): Uncertain significance (1 of 4 stars; one submission).

Conditions:
Myasthenic syndrome, congenital, 22 (CMS22). Also called: PREPL DEFICIENCY. Identifiers: MedGen C4479088, MONDO:0044299, OMIM 616224.

Submission:

Labcorp Genetics (formerly Invitae), Labcorp
Classification: Uncertain significance for Myasthenic syndrome, congenital, 22. Last evaluated: 2025-09-24. Review status: criteria provided, single submitter. Criteria: Invitae Variant Classification Sherloc (09022015). Collection method: clinical testing. Allele origin: germline.
Comment: This sequence change replaces arginine, which is basic and polar, with glycine, which is neutral and non-polar, at codon 647 of the PREPL protein (p.Arg647Gly). This variant is not present in population databases (gnomAD no frequency). This variant has not been reported in the literature in individuals affected with PREPL-related conditions. Invitae Evidence Modeling of protein sequence and biophysical properties (such as structural, functional, and spatial information, amino acid conservation, physicochemical variation, residue mobility, and thermodynamic stability) indicates that this missense variant is expected to disrupt PREPL protein function with a positive predictive value of 80%. In summary, the available evidence is currently insufficient to determine the role of this variant in disease. Therefore, it has been classified as a Variant of Uncertain Significance.

NM_001171613.2(PREPL):c.1672C>G (p.Arg558Gly)

Gene: PREPL (prolyl endopeptidase like; minus strand). Cytogenetic location: 2p21.
Variant type: single nucleotide variant.
Coding change: c.1672C>G on transcript NM_001171613.2 (MANE Select); coding-DNA position 1672, C replaced by G.
Protein change: p.Arg558Gly; replaces arginine 558 with glycine.
Molecular consequence: missense variant.
Genome position (GRCh38, 1-based): chr2:44,322,812, G>C on the plus strand (C>G on the coding strand, the complement: PREPL is on the minus strand). VCF-style: chr2-44322812-G-C. GRCh37 (hg19) VCF-style: chr2-44549951-G-C.
Other names: c.1753C>G, p.Arg585Gly (NM_001042385.2); c.1741C>G, p.Arg581Gly (NM_001042386.2); c.1939C>G, p.Arg647Gly (NM_001171603.1, NM_001171606.2, NM_001374275.1 and 2 more transcripts); c.1672C>G, p.Arg558Gly (NM_001171617.1, NM_001374277.1); short protein forms R581G, R585G, R647G, R558G.
Identifiers: ClinVar variation 4737687 (VCV004737687.1).